The following is an entry in ClinVar:

NM_024529.5(CDC73):c.-1G>T

Gene: CDC73 (cell division cycle 73; plus strand). Cytogenetic location: 1q31.2.
Variant type: single nucleotide variant.
Coding change: c.-1G>T on transcript NM_024529.5 (MANE Select); 1 bases upstream of the start codon, G replaced by T.
Molecular consequence: 5 prime UTR variant.
Genome position (GRCh38, 1-based): chr1:193,122,200, G>T. VCF-style: chr1-193122200-G-T. GRCh37 (hg19) VCF-style: chr1-193091330-G-T.
Identifiers: ClinVar variation 1784212 (VCV001784212.2), dbSNP rs2103111517, ClinGen allele CA2580061741.

ClinVar aggregate classification (germline): Uncertain significance (1 of 4 stars; one submission).

Conditions:
Hereditary cancer-predisposing syndrome. Also called: Neoplastic Syndromes, Hereditary; Tumor predisposition; Hereditary Cancer Syndrome; Hereditary neoplastic syndrome. Identifiers: Orphanet 140162, MedGen C0027672, MeSH D009386, MONDO:0015356.

Submission:

Ambry Genetics
Classification: Uncertain significance for Hereditary cancer-predisposing syndrome. Last evaluated: 2022-04-08. Review status: criteria provided, single submitter. Criteria: Ambry Variant Classification Scheme 2023. Collection method: clinical testing. Allele origin: germline.
Comment: The c.-1G>T variant is located in the 5' untranslated region (5&rsquo; UTR) of the CDC73 gene. This variant results from a G to T substitution one base upstream from the first translated codon. Based on nucleotide sequence alignment, this position is highly conserved in available vertebrate species. Since supporting evidence is limited at this time, the clinical significance of this alteration remains unclear.